The following is an entry in ClinVar:

ClinVar aggregate classification (germline): Likely pathogenic (1 of 4 stars; one submission).

gnomAD v4.1: 3 of 1,612,004 alleles (0.00019%); highest among the groups gnomAD compares: African/African-American, 0.004%; no homozygotes.

Submission:

Labcorp Genetics (formerly Invitae), Labcorp
Classification: Likely pathogenic. Last evaluated: 2025-02-17. Review status: criteria provided, single submitter. Criteria: Invitae Variant Classification Sherloc (09022015). Collection method: clinical testing. Allele origin: germline.
Comment: This sequence change affects an acceptor splice site in intron 5 of the ORC1 gene. It is expected to disrupt RNA splicing. Variants that disrupt the donor or acceptor splice site typically lead to a loss of protein function (PMID: 16199547), and loss-of-function variants in ORC1 are known to be pathogenic (PMID: 21358633). This variant is not present in population databases (gnomAD no frequency). This variant has not been reported in the literature in individuals affected with ORC1-related conditions. Algorithms developed to predict the effect of sequence changes on RNA splicing suggest that this variant may disrupt the consensus splice site. In summary, the currently available evidence indicates that the variant is pathogenic, but additional data are needed to prove that conclusively. Therefore, this variant has been classified as Likely Pathogenic.

Literature cited by the submitters: PubMed 16199547; PubMed 21358633.

NM_004153.4(ORC1):c.722-1G>A

Gene: ORC1 (origin recognition complex subunit 1; minus strand). Cytogenetic location: 1p32.3.
Variant type: single nucleotide variant.
Coding change: c.722-1G>A on transcript NM_004153.4 (MANE Select); the canonical splice acceptor site of the intron before coding-DNA position 722, G replaced by A.
Molecular consequence: splice acceptor variant.
Genome position (GRCh38, 1-based): chr1:52,393,804, C>T on the plus strand (G>A on the coding strand, the complement: ORC1 is on the minus strand). VCF-style: chr1-52393804-C-T. GRCh37 (hg19) VCF-style: chr1-52859476-C-T.
Other names: c.722-1G>A (NM_001190818.2, NM_001190819.2).
Identifiers: ClinVar variation 3701221 (VCV003701221.2).